The following is an entry in ClinVar:

ClinVar aggregate classification (germline): Likely benign. Review status: criteria provided, multiple submitters, no conflicts (2 of 4 stars). 2 submissions from 2 submitters: Likely benign (2). Last evaluated 2026-06-27.

Conditions:
FIG4-related disorder. Also called: FIG4-related condition; FIG4-related disorders.
Charcot-Marie-Tooth disease type 4. Also called: Charcot-Marie-Tooth, Type 4; Charcot-Marie-Tooth disease, type IV. Identifiers: Orphanet 64749, MedGen C4082197, MONDO:0018995.

Allele frequency attached by ClinVar (database versions not stated): gnomAD exomes below 0.00001; gnomAD 0.00001.
gnomAD v4.1: 1 of 1,611,416 alleles (0.000062%); highest among the groups gnomAD compares: African/African-American, 0.0013%; no homozygotes.

Submissions (2):

PreventionGenetics, part of Exact Sciences
Classification: Likely benign for FIG4-related condition. Last evaluated: 2026-06-27. Review status: criteria provided, single submitter. Criteria: ACMG Guidelines, 2015. Collection method: clinical testing. Allele origin: germline.
Comment: This variant is classified as likely benign based on ACMG/AMP sequence variant interpretation guidelines (Richards et al. 2015 PMID: 25741868, with internal and published modifications).

Labcorp Genetics (formerly Invitae), Labcorp
Classification: Likely benign for Charcot-Marie-Tooth disease type 4. Last evaluated: 2024-10-31. Review status: criteria provided, single submitter. Criteria: Invitae Variant Classification Sherloc (09022015). Collection method: clinical testing. Allele origin: germline.

NM_014845.6(FIG4):c.324G>C (p.Val108=)

Gene: FIG4 (FIG4 phosphoinositide 5-phosphatase; plus strand). Cytogenetic location: 6q21.
Variant type: single nucleotide variant.
Coding change: c.324G>C on transcript NM_014845.6 (MANE Select); coding-DNA position 324, G replaced by C.
Protein change: p.Val108=; no amino-acid change (valine 108 retained).
Molecular consequence: synonymous variant.
Genome position (GRCh38, 1-based): chr6:109,727,143, G>C. VCF-style: chr6-109727143-G-C. GRCh37 (hg19) VCF-style: chr6-110048346-G-C.
Other names: c.324G>C (NM_014845.5).
Identifiers: ClinVar variation 1546563 (VCV001546563.9), dbSNP rs1371576818, ClinGen allele CA451752972.